The following is an entry in ClinVar:

NM_006218.4(PIK3CA):c.1466T>C (p.Met489Thr)

Gene: PIK3CA (phosphatidylinositol-4,5-bisphosphate 3-kinase catalytic subunit alpha; plus strand). Cytogenetic location: 3q26.32.
Variant type: single nucleotide variant.
Coding change: c.1466T>C on transcript NM_006218.4 (MANE Select); coding-DNA position 1466, T replaced by C.
Protein change: p.Met489Thr; replaces methionine 489 with threonine.
Molecular consequence: missense variant.
Genome position (GRCh38, 1-based): chr3:179,210,492, T>C. VCF-style: chr3-179210492-T-C. GRCh37 (hg19) VCF-style: chr3-178928280-T-C.
Other names: short protein forms M489T.
Identifiers: ClinVar variation 1773265 (VCV001773265.2), dbSNP rs2108401453, ClinGen allele CA355262558.

ClinVar aggregate classification (germline): Uncertain significance (1 of 4 stars; one submission).

Conditions:
Inborn genetic diseases. Identifiers: MedGen C0950123, MeSH D030342.

Allele frequency attached by ClinVar (database versions not stated): gnomAD exomes 0.00001.
gnomAD v4.1: 4 of 1,614,038 alleles (0.00025%); highest among the groups gnomAD compares: Non-Finnish European, 0.00034%; no homozygotes.

Submission:

Ambry Genetics
Classification: Uncertain significance for Inborn genetic diseases. Last evaluated: 2022-09-05. Review status: criteria provided, single submitter. Criteria: Ambry Variant Classification Scheme 2023. Collection method: clinical testing. Allele origin: germline.
Comment: The p.M489T variant (also known as c.1466T>C), located in coding exon 8 of the PIK3CA gene, results from a T to C substitution at nucleotide position 1466. The methionine at codon 489 is replaced by threonine, an amino acid with similar properties. This amino acid position is conserved. In addition, this alteration is predicted to be deleterious by in silico analysis. Since supporting evidence is limited at this time, the clinical significance of this alteration remains unclear.